The following is an entry in ClinVar:

ClinVar aggregate classification (germline): Likely benign (1 of 4 stars; one submission).

Allele frequency attached by ClinVar (database versions not stated): 1000 Genomes Project 30x 0.00125; 1000 Genomes Project 0.00140; TOPMed 0.00276; gnomAD 0.00278; ExAC 0.00323; ESP Exome Variant Server 0.00423.
gnomAD v4.1: 6,764 of 1,613,974 alleles (0.42%); highest among the groups gnomAD compares: Non-Finnish European, 0.51%; 24 homozygotes.

Submission:

CeGaT Center for Human Genetics Tuebingen
Classification: Likely benign. Last evaluated: 2023-04-01. Review status: criteria provided, single submitter. Criteria: CeGaT Center For Human Genetics Tuebingen Variant Classification Criteria Version 2. Collection method: clinical testing. Allele origin: germline. Affected: yes. Observed: 1 variant allele.
Comment: JMJD7-PLA2G4B: BP4, BP7, BS2; PLA2G4B: BP4, BP7, BS2

NM_001114633.2(PLA2G4B):c.699G>A (p.Thr233=)

Genes: JMJD7-PLA2G4B (JMJD7-PLA2G4B readthrough; plus strand), PLA2G4B (phospholipase A2 group IVB; plus strand). Cytogenetic location: 15q15.1.
Variant type: single nucleotide variant.
Coding change: c.699G>A on transcript NM_001114633.2 (MANE Select); coding-DNA position 699, G replaced by A.
Protein change: p.Thr233=; no amino-acid change (threonine 233 retained).
Molecular consequence: synonymous variant.
Genome position (GRCh38, 1-based): chr15:41,842,270, G>A. VCF-style: chr15-41842270-G-A. GRCh37 (hg19) VCF-style: chr15-42134468-G-A.
Other names: c.1392G>A, p.Thr464= (NM_001198588.2, NM_005090.4).
Identifiers: ClinVar variation 2645199 (VCV002645199.24), dbSNP rs141857655, ClinGen allele CA7499745.